The following is an entry in ClinVar:

NM_004438.5(EPHA4):c.25C>G (p.Leu9Val)

Gene: EPHA4 (EPH receptor A4; minus strand). Cytogenetic location: 2q36.1.
Variant type: single nucleotide variant.
Coding change: c.25C>G on transcript NM_004438.5 (MANE Select); coding-DNA position 25, C replaced by G.
Protein change: p.Leu9Val; replaces leucine 9 with valine.
Molecular consequence: missense variant. On other transcripts: 5 prime UTR variant (1).
Genome position (GRCh38, 1-based): chr2:221,572,224, G>C on the plus strand (C>G on the coding strand, the complement: EPHA4 is on the minus strand). VCF-style: chr2-221572224-G-C. GRCh37 (hg19) VCF-style: chr2-222436944-G-C.
Other names: c.25C>G, p.Leu9Val (NM_001304536.2, NM_001363748.2); c.-61C>G (NM_001304537.2); c.25C>G (NM_004438.3); short protein forms L9V.
Identifiers: ClinVar variation 1974378 (VCV001974378.6), dbSNP rs1264445058, ClinGen allele CA350409318.
Genomic context (GRCh38, chr2:221,572,224, plus strand): 5'-TCGCGGGGTATACCCTGGAACCTGTGACAGCGTCGCAAATCCCGAAGAGACACGAAAATA[G>C]GGCGAAATAGAAAATCCCAGCCATGGTTCGCCGGTGCCAACGCTGCTCCTGCCGCTTCTA-3'
Protein context (NP_004429.1, residues 1-19): MAGIFYFA[Leu9Val]FSCLFGICDA

ClinVar aggregate classification (germline): Uncertain significance. Review status: criteria provided, multiple submitters, no conflicts (2 of 4 stars). 2 submissions from 2 submitters: Uncertain significance (2). Last evaluated 2025-04-11.

gnomAD v4.1: 2 of 1,614,038 alleles (0.00012%); highest among the groups gnomAD compares: Admixed American, 0.0033%; no homozygotes.

Submissions (2):

Ambry Genetics
Classification: Uncertain significance. Last evaluated: 2025-04-11. Review status: criteria provided, single submitter. Criteria: Ambry Variant Classification Scheme 2023. Collection method: clinical testing. Allele origin: germline.

Labcorp Genetics (formerly Invitae), Labcorp
Classification: Uncertain significance. Last evaluated: 2022-10-13. Review status: criteria provided, single submitter. Criteria: Invitae Variant Classification Sherloc (09022015). Collection method: clinical testing. Allele origin: germline.
Comment: In summary, the available evidence is currently insufficient to determine the role of this variant in disease. Therefore, it has been classified as a Variant of Uncertain Significance. Algorithms developed to predict the effect of missense changes on protein structure and function are either unavailable or do not agree on the potential impact of this missense change (SIFT: "Deleterious"; PolyPhen-2: "Benign"; Align-GVGD: "Class C0"). This variant has not been reported in the literature in individuals affected with EPHA4-related conditions. This variant is not present in population databases (gnomAD no frequency). This sequence change replaces leucine, which is neutral and non-polar, with valine, which is neutral and non-polar, at codon 9 of the EPHA4 protein (p.Leu9Val).